The following is an entry in ClinVar:

ClinVar aggregate classification (germline): not provided (0 of 4 stars; one submission).

Allele frequency attached by ClinVar (database versions not stated): 1000 Genomes Project 0.00240; gnomAD 0.00252 and 0.00265; 1000 Genomes Project 30x 0.00265; TOPMed 0.00292.
gnomAD v4.1: 380 of 152,210 alleles (0.25%); highest among the groups gnomAD compares: African/African-American, 0.82%; 1 homozygote.

Submission:

Human Evolutionary Genetics, Institut Pasteur
No classification provided. Review status: no classification provided. Collection method: not provided. Allele origin: germline.
ClinVar note: Converted during submission from untested to not provided.

NM_176810.2(NLRP13):c.458-188G>A

Gene: NLRP13 (NLR family pyrin domain containing 13; minus strand). Cytogenetic location: 19q13.43.
Variant type: single nucleotide variant.
Coding change: c.458-188G>A on transcript NM_176810.2 (MANE Select); 188 bases into the intron before coding-DNA position 458, G replaced by A.
Molecular consequence: intron variant.
Genome position (GRCh38, 1-based): chr19:55,924,167, C>T on the plus strand (G>A on the coding strand, the complement: NLRP13 is on the minus strand). VCF-style: chr19-55924167-C-T. GRCh37 (hg19) VCF-style: chr19-56435533-C-T.
Other names: c.458-188G>A (NM_001321057.1).
Identifiers: ClinVar variation 103319 (VCV000103319.2), dbSNP rs199476251, ClinGen allele CA230410.
Genomic context (GRCh38, chr19:55,924,167, plus strand): 5'-GCATGCCCAGTTTATATTTTTTATTTATTTTTAAGAAATGGAGTCTCACTCTGTTGCCCA[C>T]GCTAGAGTGCAGTGGTACCATCTTGGCTCACTGCAACATCTGCCTCCTGGGTTCAAGAGA-3'